The following is an entry in ClinVar:

NM_001387283.1(SMARCA4):c.4266+2_4266+3del

Gene: SMARCA4 (SWI/SNF related BAF chromatin remodeling complex subunit ATPase 4; plus strand). Cytogenetic location: 19p13.2.
Variant type: Deletion.
Coding change: c.4266+2_4266+3del on transcript NM_001387283.1 (MANE Plus Clinical); the canonical splice donor site of the intron after coding-DNA position 4266 through 3 bases into the intron after coding-DNA position 4266, 2 bases deleted (TG; older notation c.4266+2_4266+3delTG).
Molecular consequence: splice donor variant. On other transcripts: intron variant (7).
Genome position (GRCh38, 1-based): chr19:11,039,555-11,039,556, TG deleted; deleting any 2 consecutive bases within chr19:11,039,554-11,039,556 gives the same sequence; the c. name uses the placement nearest the transcript's 3' end. VCF-style (leftmost placement, unchanged base first): chr19-11039553-GGT-G. GRCh37 (hg19) VCF-style: chr19-11150229-GGT-G.
Other names: c.4266+2_4266+3del (NM_001128849.1, NM_001128849.3); c.4171-1752_4171-1751del (NM_001128844.3, NM_003072.5); c.4072-1752_4072-1751del (NM_001128847.4, NM_001374457.1, NM_001128848.2); c.4072-1743_4072-1742del (NM_001128845.2, NM_001128846.2).
Identifiers: ClinVar variation 572061 (VCV000572061.17), dbSNP rs1568523387, ClinGen allele CA631764910.

ClinVar aggregate classification (germline): Uncertain significance. Review status: criteria provided, multiple submitters, no conflicts (2 of 4 stars). 3 submissions from 3 submitters: Uncertain significance (3). Last evaluated 2025-11-16.

Conditions:
Rhabdoid tumor predisposition syndrome 2 (RTPS2). Identifiers: Orphanet 231108, Orphanet 69077, MedGen C2750074, MONDO:0013224, OMIM 613325.
Hereditary cancer-predisposing syndrome. Also called: Hereditary neoplastic syndrome; Tumor predisposition; Neoplastic Syndromes, Hereditary; Hereditary Cancer Syndrome. Identifiers: Orphanet 140162, MedGen C0027672, MeSH D009386, MONDO:0015356.

Submissions (3):

Labcorp Genetics (formerly Invitae), Labcorp
Classification: Uncertain significance for Rhabdoid tumor predisposition syndrome 2. Last evaluated: 2025-11-16. Review status: criteria provided, single submitter. Criteria: Invitae Variant Classification Sherloc (09022015). Collection method: clinical testing. Allele origin: germline.
Comment: This sequence change affects a splice site in intron 30 of the SMARCA4 gene. Loss-of-function variants in SMARCA4 are known to be pathogenic (PMID: 24658001, 24658002). However, tissue-specific alternative splicing of SMARCA4 gene results in functional isoforms lacking in-frame exon 30 (also known as exon 28B, PMID: 18437052). For this reason the clinical significance of loss of function variants in exon 30 is currently uncertain. This variant is present in population databases (no rsID available, gnomAD 0.001%). This variant has not been reported in the literature in individuals affected with SMARCA4-related conditions. Disruption of this splice site has been observed in at least one individual who was not affected with SMARCA4-related conditions (internal data). ClinVar contains an entry for this variant (Variation ID: 572061). Studies have shown disruption of this splice site is associated with skipping of exon 30, but one or more of the resulting mRNA isoform(s) may be naturally occurring (internal data). In summary, the available evidence is currently insufficient to determine the role of this variant in disease. Therefore, it has been classified as a Variant of Uncertain Significance.

Ambry Genetics
Classification: Uncertain significance for Hereditary cancer-predisposing syndrome. Last evaluated: 2024-09-05. Review status: criteria provided, single submitter. Criteria: Ambry Variant Classification Scheme 2023. Collection method: clinical testing. Allele origin: germline.
Comment: The c.4266+2_4266+3delTG intronic variant, located in intron 29 of the SMARCA4 gene, results from a deletion of two nucleotides within intron 29 of the SMARCA4 gene. This nucleotide region is highly conserved in available vertebrate species. In silico splice site analysis predicts that this alteration will not have any significant effect on splicing. This variant has been detected in multiple individuals with no reported features of Coffin-Siris syndrome (Ambry internal data). Based on the supporting evidence, the association of this alteration with rhabdoid tumor predisposition syndrome is unknown; however, the association of this alteration with Coffin-Siris syndrome is unlikely.

GeneDx
Classification: Uncertain significance. Last evaluated: 2022-01-12. Review status: criteria provided, single submitter. Criteria: GeneDx Variant Classification Process June 2021. Collection method: clinical testing. Allele origin: germline. Affected: yes.
Comment: Canonical splice site variant with an unclear effect on protein function; Has not been previously published as pathogenic or benign to our knowledge

Literature cited by the submitters: PubMed 24658001 (cited by Labcorp Genetics (formerly Invitae), Labcorp); PubMed 24658002 (cited by Labcorp Genetics (formerly Invitae), Labcorp).